The following is an entry in ClinVar:

ClinVar aggregate classification (germline): Conflicting classifications of pathogenicity. Review status: criteria provided, conflicting classifications (1 of 4 stars). 3 submissions from 3 submitters: Likely pathogenic (2); Uncertain significance (1). Last evaluated 2024-08-30.

Conditions:
Hereditary cancer-predisposing syndrome. Also called: Hereditary neoplastic syndrome; Hereditary Cancer Syndrome; Neoplastic Syndromes, Hereditary; Tumor predisposition. Identifiers: Orphanet 140162, MedGen C0027672, MeSH D009386, MONDO:0015356.
Gorlin syndrome. Also called: Basal cell nevus syndrome; Nevoid Basal Cell Carcinoma Syndrome. Identifiers: Orphanet 377, MedGen C0004779, MONDO:0007187.

Submissions (3):

Ambry Genetics
Classification: Likely pathogenic for Hereditary cancer-predisposing syndrome. Last evaluated: 2024-08-30. Review status: criteria provided, single submitter. Criteria: Ambry Variant Classification Scheme 2023. Collection method: clinical testing. Allele origin: germline.
Comment: The c.945+3_945+6delGAGT intronic variant, located in intron 6 of the PTCH1 gene, results from a deletion of 4 nucleotides within intron 6 of the PTCH1 gene. This nucleotide positions are well conserved in available vertebrate species. In silico splice site analysis predicts that this alteration will weaken the native splice donor site and will result in the creation or strengthening of a novel splice donor site. RNA studies have demonstrated that this alteration results in abnormal splicing in the set of samples tested (Ambry internal data). Another alteration impacting the same donor site (c.945+2T>C) has been detected in individuals with PTCH1-associated disease (Ambry internal data). This variant is considered to be rare based on population cohorts in the Genome Aggregation Database (gnomAD). Based on the majority of available evidence to date, this variant is likely to be pathogenic.

Labcorp Genetics (formerly Invitae), Labcorp
Classification: Uncertain significance for Gorlin syndrome. Last evaluated: 2023-08-27. Review status: criteria provided, single submitter. Criteria: Invitae Variant Classification Sherloc (09022015). Collection method: clinical testing. Allele origin: germline.
Comment: In summary, the available evidence is currently insufficient to determine the role of this variant in disease. Therefore, it has been classified as a Variant of Uncertain Significance. Variants that disrupt the consensus splice site are a relatively common cause of aberrant splicing (PMID: 17576681, 9536098). Algorithms developed to predict the effect of sequence changes on RNA splicing suggest that this variant may disrupt the consensus splice site. This sequence change falls in intron 6 of the PTCH1 gene. It does not directly change the encoded amino acid sequence of the PTCH1 protein. It affects a nucleotide within the consensus splice site. This variant is not present in population databases (gnomAD no frequency). This variant has not been reported in the literature in individuals affected with PTCH1-related conditions. ClinVar contains an entry for this variant (Variation ID: 422218).

GeneDx
Classification: Likely pathogenic. Last evaluated: 2016-12-14. Review status: criteria provided, single submitter. Criteria: GeneDx Variant Classification (06012015). Collection method: clinical testing. Allele origin: germline. Affected: yes.
Comment: This variant is denoted PTCH1 c.945+3_945+6delGAGT or IVS6+3_IVS6+6delGAGT and consists of a deletion of four nucleotides at the +3 to +6 position in intron 6 of the PTCH1 gene. The normal sequence with the bases that are deleted in braces is AAGT[GAGT]ACCA. Multiple in silico models predict this variant to destroy the nearby natural donor site, and to possibly cause abnormal gene splicing. PTCH1 c.945+3_945+6delGAGT was not observed in approximately 6,500 individuals of European and African American ancestry in the NHLBI Exome Sequencing Project, suggesting it is not a common benign variant in these populations. This variant has not, to our knowledge, been published in the literature as pathogenic or benign. The deleted nucleotides include one that is conserved across species, one that is conserved through mammals and two that are not conserved. Based on the currently available information, we consider PTCH1 c.945+3_945+6delGAGT to be a likely pathogenic variant.

Literature cited by the submitters: PubMed 17576681 (cited by Labcorp Genetics (formerly Invitae), Labcorp); PubMed 9536098 (cited by Labcorp Genetics (formerly Invitae), Labcorp).

NM_000264.5(PTCH1):c.945+3_945+6del

Gene: PTCH1 (patched 1; minus strand). Cytogenetic location: 9q22.32.
Variant type: Deletion.
Coding change: c.945+3_945+6del on transcript NM_000264.5 (MANE Select); bases 3 to 6 of the intron after coding-DNA position 945, 4 bases deleted (GAGT; older notation c.945+3_945+6delGAGT).
Molecular consequence: splice donor variant.
Genome position (GRCh38, 1-based): chr9:95,480,384-95,480,387, ACTC deleted on the plus strand (GAGT on the coding strand, the reverse complement: PTCH1 is on the minus strand); deleting any 4 consecutive bases within chr9:95,480,384-95,480,390 gives the same sequence; the c. name uses the placement nearest the transcript's 3' end. VCF-style (leftmost placement, unchanged base first): chr9-95480383-TACTC-T. GRCh37 (hg19) VCF-style: chr9-98242665-TACTC-T.
Other names: c.945+3_945+6delGAGT (NM_000264.3); c.942+3_942+6del (NM_001083603.3); c.747+3_747+6del (NM_001083602.3); c.945+3_945+6del (NM_001354918.2); c.492+3_492+6del (NM_001083605.3, NM_001083604.3, NM_001083606.3 and 1 more transcripts).
Identifiers: ClinVar variation 422218 (VCV000422218.6), dbSNP rs1064795637, ClinGen allele CA16618911.